The following is an entry in ClinVar:

NM_205861.3(DHDDS):c.604A>G (p.Ile202Val)

Gene: DHDDS (dehydrodolichyl diphosphate synthase subunit; plus strand). Cytogenetic location: 1p36.11.
Variant type: single nucleotide variant.
Coding change: c.604A>G on transcript NM_205861.3 (MANE Select); coding-DNA position 604, A replaced by G.
Protein change: p.Ile202Val; replaces isoleucine 202 with valine.
Molecular consequence: missense variant.
Genome position (GRCh38, 1-based): chr1:26,457,852, A>G. VCF-style: chr1-26457852-A-G. GRCh37 (hg19) VCF-style: chr1-26784343-A-G.
Other names: c.502A>G, p.Ile168Val (NM_001243564.2); c.487A>G, p.Ile163Val (NM_001243565.2); c.325A>G, p.Ile109Val (NM_001319959.2); c.604A>G, p.Ile202Val (NM_024887.4); short protein forms I168V, I109V, I163V, I202V.
Identifiers: ClinVar variation 970703 (VCV000970703.9), dbSNP rs1196016348, ClinGen allele CA339144731.

ClinVar aggregate classification (germline): Uncertain significance (1 of 4 stars; one submission).

Conditions:
Retinitis pigmentosa 59 (RP59). Identifiers: Orphanet 791, MedGen C3151227, MONDO:0013468, OMIM 613861.

Allele frequency attached by ClinVar (database versions not stated): TOPMed below 0.00001.

Submission:

Labcorp Genetics (formerly Invitae), Labcorp
Classification: Uncertain significance for Retinitis pigmentosa 59. Last evaluated: 2024-01-30. Review status: criteria provided, single submitter. Criteria: Invitae Variant Classification Sherloc (09022015). Collection method: clinical testing. Allele origin: germline.
Comment: This sequence change replaces isoleucine, which is neutral and non-polar, with valine, which is neutral and non-polar, at codon 202 of the DHDDS protein (p.Ile202Val). This variant is not present in population databases (gnomAD no frequency). This variant has not been reported in the literature in individuals affected with DHDDS-related conditions. ClinVar contains an entry for this variant (Variation ID: 970703). Advanced modeling of protein sequence and biophysical properties (such as structural, functional, and spatial information, amino acid conservation, physicochemical variation, residue mobility, and thermodynamic stability) performed at Invitae indicates that this missense variant is not expected to disrupt DHDDS protein function with a negative predictive value of 80%. In summary, the available evidence is currently insufficient to determine the role of this variant in disease. Therefore, it has been classified as a Variant of Uncertain Significance.